The following is an entry in ClinVar:

ClinVar aggregate classification (germline): Uncertain significance (1 of 4 stars; one submission).

Submission:

GeneDx
Classification: Uncertain significance. Last evaluated: 2026-02-03. Review status: criteria provided, single submitter. Criteria: GeneDx Variant Classification Process June 2021. Collection method: clinical testing. Allele origin: germline.
Comment: Reported in an individual with aortic disease; however, additional clinical information was not provided (PMID: 25759435); Not observed at significant frequency in large population cohorts (gnomAD); In silico analysis supports that this missense variant has a deleterious effect on protein structure/function; This variant is associated with the following publications: (PMID: 25759435)

NM_001613.4(ACTA2):c.734C>T (p.Pro245Leu)

Genes: ACTA2 (actin alpha 2, smooth muscle; minus strand), ACTA2-AS1 (ACTA2 antisense RNA 1; plus strand). Cytogenetic location: 10q23.31.
Variant type: single nucleotide variant.
Coding change: c.734C>T on transcript NM_001613.4 (MANE Select); coding-DNA position 734, C replaced by T.
Protein change: p.Pro245Leu; replaces proline 245 with leucine.
Molecular consequence: missense variant. On other transcripts: non-coding transcript variant (1), intron variant (1).
Genome position (GRCh38, 1-based): chr10:88,939,581, G>A on the plus strand (C>T on the coding strand, the complement: ACTA2 is on the minus strand). VCF-style: chr10-88939581-G-A. GRCh37 (hg19) VCF-style: chr10-90699338-G-A.
Other names: c.734C>T, p.Pro245Leu (NM_001141945.3, NM_001320855.2, NM_001406462.1 and 2 more transcripts); c.623C>T, p.Pro208Leu (NM_001406466.1); c.605C>T, p.Pro202Leu (NM_001406467.1, NM_001406468.1, NM_001406469.1); c.617-1339C>T (NM_001406471.1); short protein forms P202L, P208L, P245L.
Identifiers: ClinVar variation 4887849 (VCV004887849.1).